The following is an entry in ClinVar:

NM_017757.3(ZNF407):c.5941G>A (p.Ala1981Thr)

Gene: ZNF407 (zinc finger protein 407; plus strand). Cytogenetic location: 18q22.3.
Variant type: single nucleotide variant.
Coding change: c.5941G>A on transcript NM_017757.3 (MANE Select); coding-DNA position 5941, G replaced by A.
Protein change: p.Ala1981Thr; replaces alanine 1981 with threonine.
Molecular consequence: missense variant.
Genome position (GRCh38, 1-based): chr18:75,063,662, G>A. VCF-style: chr18-75063662-G-A. GRCh37 (hg19) VCF-style: chr18-72775618-G-A.
Other names: c.5941G>A, p.Ala1981Thr (NM_001384475.1); short protein forms A1981T.
Identifiers: ClinVar variation 2499834 (VCV002499834.2), dbSNP rs771724071, ClinGen allele CA9001252.

ClinVar aggregate classification (germline): Uncertain significance. Review status: criteria provided, multiple submitters, no conflicts (2 of 4 stars). 2 submissions from 2 submitters: Uncertain significance (2). Last evaluated 2024-09-11.

Allele frequency attached by ClinVar (database versions not stated): ExAC 0.00006.
gnomAD v4.1: 70 of 1,606,784 alleles (0.0044%); highest among the groups gnomAD compares: East Asian, 0.016%; no homozygotes.

Submissions (2):

Ambry Genetics
Classification: Uncertain significance. Last evaluated: 2024-09-11. Review status: criteria provided, single submitter. Criteria: Ambry Variant Classification Scheme 2023. Collection method: clinical testing. Allele origin: germline.

GeneDx
Classification: Uncertain significance. Last evaluated: 2022-10-18. Review status: criteria provided, single submitter. Criteria: GeneDx Variant Classification Process June 2021. Collection method: clinical testing. Allele origin: germline. Affected: yes.
Comment: In silico analysis supports that this missense variant does not alter protein structure/function; Has not been previously published as pathogenic or benign to our knowledge